The following is an entry in ClinVar:

NM_005422.4(TECTA):c.4021G>A (p.Ala1341Thr)

Genes: TBCEL-TECTA (TBCEL-TECTA readthrough; plus strand), TECTA (tectorin alpha; plus strand). Cytogenetic location: 11q23.3.
Variant type: single nucleotide variant.
Coding change: c.4021G>A on transcript NM_005422.4 (MANE Select); coding-DNA position 4021, G replaced by A.
Protein change: p.Ala1341Thr; replaces alanine 1341 with threonine.
Molecular consequence: missense variant.
Genome position (GRCh38, 1-based): chr11:121,146,032, G>A. VCF-style: chr11-121146032-G-A. GRCh37 (hg19) VCF-style: chr11-121016741-G-A.
Other names: c.4978G>A, p.Ala1660Thr (NM_001378761.1); short protein forms A1341T, A1660T.
Identifiers: ClinVar variation 1710725 (VCV001710725.7), dbSNP rs376729260, ClinGen allele CA6327336.

ClinVar aggregate classification (germline): Conflicting classifications of pathogenicity. Review status: criteria provided, conflicting classifications (1 of 4 stars). 4 submissions from 4 submitters: Uncertain significance (3); Likely benign (1). Last evaluated 2025-08-25.

Conditions:
TECTA-related disorder. Also called: TECTA-related condition.
Autosomal recessive nonsyndromic hearing loss 21. Identifiers: Orphanet 90636, MedGen C1863655, MONDO:0011351, OMIM 603629.

Allele frequency attached by ClinVar (database versions not stated): gnomAD 0.00004; TOPMed 0.00005.
gnomAD v4.1: 80 of 1,613,822 alleles (0.005%); highest among the groups gnomAD compares: African/African-American, 0.023%; no homozygotes.

Submissions (4):

Daryl Scott Lab, Baylor College of Medicine
Classification: Uncertain significance for Autosomal recessive nonsyndromic hearing loss 21. Last evaluated: 2025-08-25. Review status: criteria provided, single submitter. Criteria: ACMG Guidelines, 2015. Collection method: clinical testing. Allele origin: maternal. Affected: yes. Observed: 1 compound heterozygote.
Comment: PM2, BP4

PreventionGenetics, part of Exact Sciences
Classification: Uncertain significance for TECTA-related condition. Last evaluated: 2025-06-27. Review status: criteria provided, single submitter. Criteria: ACMG Guidelines, 2015. Collection method: clinical testing. Allele origin: germline.
Comment: The TECTA c.4021G>A variant is predicted to result in the amino acid substitution p.Ala1341Thr. To our knowledge, this variant has not been reported in the literature. This variant is reported in 0.016% of alleles in individuals of South Asian descent in gnomAD. At this time, the clinical significance of this variant is uncertain due to the absence of conclusive functional and genetic evidence.

Labcorp Genetics (formerly Invitae), Labcorp
Classification: Likely benign. Last evaluated: 2022-12-22. Review status: criteria provided, single submitter. Criteria: Invitae Variant Classification Sherloc (09022015). Collection method: clinical testing. Allele origin: germline.

GeneDx
Classification: Uncertain significance. Last evaluated: 2022-10-12. Review status: criteria provided, single submitter. Criteria: GeneDx Variant Classification Process June 2021. Collection method: clinical testing. Allele origin: germline. Affected: yes.
Comment: In silico analysis supports that this missense variant does not alter protein structure/function; Has not been previously published as pathogenic or benign to our knowledge